The following is an entry in ClinVar:

ClinVar aggregate classification (germline): Uncertain significance (1 of 4 stars; one submission).

Conditions:
RASopathy. Also called: Noonan spectrum disorder; rasopathies. Identifiers: Orphanet 536391, MedGen C5555857, MONDO:0021060.

Submission:

Labcorp Genetics (formerly Invitae), Labcorp
Classification: Uncertain significance for Rasopathy. Last evaluated: 2018-02-16. Review status: criteria provided, single submitter. Criteria: Invitae Variant Classification Sherloc (09022015). Collection method: clinical testing. Allele origin: germline.
Comment: This sequence change creates a premature translational stop signal (p.Leu1087Phefs*20) in the SOS1 gene. It is expected to result in an absent or disrupted protein product. This variant is not present in population databases (ExAC no frequency). This variant has not been reported in the literature in individuals with SOS1-related disease. The current clinical and genetic evidence is not sufficient to establish whether loss-of-function variants in SOS1 cause disease. In summary, the available evidence is currently insufficient to determine the role of this variant in disease. Therefore, it has been classified as a Variant of Uncertain Significance.

NM_005633.4(SOS1):c.3260dup (p.Leu1087fs)

Gene: SOS1 (SOS Ras/Rac guanine nucleotide exchange factor 1; minus strand). Cytogenetic location: 2p22.1.
Variant type: Duplication.
Coding change: c.3260dup on transcript NM_005633.4 (MANE Select); coding-DNA position 3260, one base duplicated (T; older notation c.3260dupT).
Protein change: p.Leu1087fs; shifts the reading frame from leucine 1087.
Molecular consequence: frameshift variant.
Genome position (GRCh38, 1-based): chr2:38,995,209, A duplicated on the plus strand (T on the coding strand, the reverse complement: SOS1 is on the minus strand); the first of 2 consecutive A bases (chr2:38,995,209-38,995,210); duplicating either gives the same sequence. VCF-style (leftmost placement, unchanged base first): chr2-38995208-T-TA. GRCh37 (hg19) VCF-style: chr2-39222349-T-TA.
Other names: c.3239dup, p.Leu1080fs (NM_001382394.1); c.3260dup, p.Leu1087fs (NM_001382395.1); c.3260dupT (NM_005633.3); short protein forms L1087fs, L1080fs.
Identifiers: ClinVar variation 579873 (VCV000579873.1), dbSNP rs1558459711, ClinGen allele CA891843265.